The following is an entry in ClinVar:

NM_001371623.1(TCOF1):c.1219_1235del (p.Glu407fs)

Gene: TCOF1 (treacle ribosome biogenesis factor 1; plus strand). Cytogenetic location: 5q32.
Variant type: Deletion.
Coding change: c.1219_1235del on transcript NM_001371623.1 (MANE Select); coding-DNA positions 1219 to 1235, 17 bases deleted (GAGGAGGACTCGCAGAG).
Protein change: p.Glu407fs; shifts the reading frame from glutamic acid 407.
Molecular consequence: frameshift variant.
Genome position (GRCh38, 1-based): chr5:150,374,752-150,374,768, GAGGAGGACTCGCAGAG deleted; deleting any 17 consecutive bases within chr5:150,374,751-150,374,768 gives the same sequence; the c. name uses the placement nearest the transcript's 3' end. VCF-style (leftmost placement, unchanged base first): chr5-150374750-GGGAGGAGGACTCGCAGA-G. GRCh37 (hg19) VCF-style: chr5-149754313-GGGAGGAGGACTCGCAGA-G.
Other names: c.988_1004del, p.Glu330fs (NM_000356.4, NM_001135245.2, NM_001437406.1); c.1219_1235del, p.Glu407fs (NM_001008657.3, NM_001135243.2, NM_001135244.2 and 1 more transcripts); short protein forms E330fs, E407fs.
Identifiers: ClinVar variation 4538185 (VCV004538185.1).

ClinVar aggregate classification (germline): Pathogenic (1 of 4 stars; one submission).

Conditions:
Treacher Collins syndrome 1 (TCS1). Also called: TCOF1-Related Treacher Collins Syndrome. Identifiers: Orphanet 861, MedGen CN315775, MONDO:0007944, OMIM 154500.

Submission:

Greenwood Genetic Center Diagnostic Laboratories, Greenwood Genetic Center
Classification: Pathogenic for Treacher Collins syndrome 1. Last evaluated: 2025-04-18. Review status: criteria provided, single submitter. Criteria: ACMG Guidelines, 2015. Collection method: clinical testing. Allele origin: germline. Affected: yes.
Comment: PVS1, PM2, PM6